The following is an entry in ClinVar:

NM_000497.4(CYP11B1):c.*694T>C

Gene: CYP11B1 (cytochrome P450 family 11 subfamily B member 1; minus strand). Cytogenetic location: 8q24.3.
Variant type: single nucleotide variant.
Coding change: c.*694T>C on transcript NM_000497.4 (MANE Select); 694 bases downstream of the stop codon, T replaced by C.
Molecular consequence: 3 prime UTR variant.
Genome position (GRCh38, 1-based): chr8:142,873,679, A>G on the plus strand (T>C on the coding strand, the complement: CYP11B1 is on the minus strand). VCF-style: chr8-142873679-A-G. GRCh37 (hg19) VCF-style: chr8-143955095-A-G.
Other names: c.*694T>C (NM_001026213.1).
Identifiers: ClinVar variation 362130 (VCV000362130.9), dbSNP rs5303, ClinGen allele CA10624937.

ClinVar aggregate classification (germline): Benign. Review status: criteria provided, multiple submitters, no conflicts (2 of 4 stars). 4 submissions from 3 submitters: Benign (4). Last evaluated 2021-05-11.

Conditions:
Deficiency of steroid 11-beta-monooxygenase (CYP11B1). Also called: ADRENAL HYPERPLASIA, CONGENITAL, DUE TO STEROID 11-BETA-HYDROXYLASE DEFICIENCY; 11-BETA-HYDROXYLASE DEFICIENCY; ADRENAL HYPERPLASIA IV; P450C11B1 DEFICIENCY; STEROID 11-BETA-HYDROXYLASE DEFICIENCY; Congenital adrenal hyperplasia due to 11-beta-hydroxylase deficiency. Identifiers: Orphanet 90795, MedGen C0268292, MONDO:0008729, OMIM 202010. Disease mechanism: loss of function.
Glucocorticoid-remediable aldosteronism. Also called: Hyperaldosteronism, familial, type I; ACTH-DEPENDENT HYPERALDOSTERONISM SYNDROME; ALDOSTERONISM, SENSITIVE TO DEXAMETHASONE; FH I; GLUCOCORTICOID-SUPPRESSIBLE HYPERALDOSTERONISM. Identifiers: Orphanet 403, MedGen C3838731, MONDO:0007080, OMIM 103900.

Allele frequency attached by ClinVar (database versions not stated): gnomAD exomes 0.54425; gnomAD 0.65382 and 0.65793; TOPMed 0.66206; 1000 Genomes Project 30x 0.74610; 1000 Genomes Project 0.74621.
gnomAD v4.1: 101,026 of 154,022 alleles (66%); highest among the groups gnomAD compares: East Asian, 85%; 33,973 homozygotes.

Submissions (4):

GeneDx
Classification: Benign. Last evaluated: 2021-05-11. Review status: criteria provided, single submitter. Criteria: GeneDx Variant Classification Process June 2021. Collection method: clinical testing. Allele origin: germline. Affected: yes.

Illumina Laboratory Services, Illumina
Classification: Benign for Deficiency of steroid 11-beta-monooxygenase. Last evaluated: 2018-01-12. Review status: criteria provided, single submitter. Criteria: ICSL Variant Classification Criteria 13 December 2019. Collection method: clinical testing. Allele origin: germline.
Comment: This variant was observed in the ICSL laboratory as part of a predisposition screen in an ostensibly healthy population. It had not been previously curated by ICSL or reported in the Human Gene Mutation Database (HGMD: prior to June 1st, 2018), and was therefore a candidate for classification through an automated scoring system. Utilizing variant allele frequency, disease prevalence and penetrance estimates, and inheritance mode, an automated score was calculated to assess if this variant is too frequent to cause the disease. Based on the score and internal cut-off values, a variant classified as benign is not then subjected to further curation. The score for this variant resulted in a classification of benign for this disease.

Illumina Laboratory Services, Illumina
Classification: Benign for Glucocorticoid-remediable aldosteronism. Last evaluated: 2018-01-12. Review status: criteria provided, single submitter. Criteria: ICSL Variant Classification Criteria 13 December 2019. Collection method: clinical testing. Allele origin: germline.
Comment: the same text as in the submission from Illumina Laboratory Services, Illumina above.

Breakthrough Genomics
Classification: Benign. Review status: criteria provided, single submitter. Criteria: ACMG Guidelines, 2015. Collection method: not provided. Allele origin: germline. Inheritance: Autosomal recessive inheritance. Affected: yes.